The following is an entry in ClinVar:

ClinVar aggregate classification (germline): Uncertain significance. Review status: criteria provided, multiple submitters, no conflicts (2 of 4 stars). 2 submissions from 2 submitters: Uncertain significance (2). Last evaluated 2024-09-28.

Conditions:
Hereditary pancreatitis (PCTT). Also called: PRSS1-Related Hereditary Pancreatitis; Hereditary chronic pancreatitis. Identifiers: Orphanet 676, MedGen C0238339, MONDO:0008185, OMIM 167800.

Allele frequency attached by ClinVar (database versions not stated): gnomAD exomes below 0.00001 and 0.00002; gnomAD 0.00001; TOPMed 0.00001; ExAC 0.00003.
gnomAD v4.1: 7 of 1,614,240 alleles (0.00043%); highest among the groups gnomAD compares: East Asian, 0.016%; no homozygotes.

Submissions (2):

Labcorp Genetics (formerly Invitae), Labcorp
Classification: Uncertain significance for Hereditary pancreatitis. Last evaluated: 2024-09-28. Review status: criteria provided, single submitter. Criteria: Invitae Variant Classification Sherloc (09022015). Collection method: clinical testing. Allele origin: germline.
Comment: This sequence change replaces tryptophan, which is neutral and slightly polar, with leucine, which is neutral and non-polar, at codon 191 of the CTRC protein (p.Trp191Leu). This variant is present in population databases (rs753236329, gnomAD 0.03%). This variant has not been reported in the literature in individuals affected with CTRC-related conditions. ClinVar contains an entry for this variant (Variation ID: 963204). An algorithm developed to predict the effect of missense changes on protein structure and function (PolyPhen-2) suggests that this variant is likely to be disruptive. In summary, the available evidence is currently insufficient to determine the role of this variant in disease. Therefore, it has been classified as a Variant of Uncertain Significance.

Ambry Genetics
Classification: Uncertain significance for Hereditary pancreatitis. Last evaluated: 2023-12-29. Review status: criteria provided, single submitter. Criteria: Ambry Variant Classification Scheme 2023. Collection method: clinical testing. Allele origin: germline.
Comment: The p.W191L variant (also known as c.572G>T), located in coding exon 6 of the CTRC gene, results from a G to T substitution at nucleotide position 572. The tryptophan at codon 191 is replaced by leucine, an amino acid with similar properties. This amino acid position is well conserved in available vertebrate species. In addition, the in silico prediction for this alteration is inconclusive. Since supporting evidence is limited at this time, the clinical significance of this alteration remains unclear.

NM_007272.3(CTRC):c.572G>T (p.Trp191Leu)

Gene: CTRC (chymotrypsin C; plus strand). Cytogenetic location: 1p36.21.
Variant type: single nucleotide variant.
Coding change: c.572G>T on transcript NM_007272.3 (MANE Select); coding-DNA position 572, G replaced by T.
Protein change: p.Trp191Leu; replaces tryptophan 191 with leucine.
Molecular consequence: missense variant.
Genome position (GRCh38, 1-based): chr1:15,444,684, G>T. VCF-style: chr1-15444684-G-T. GRCh37 (hg19) VCF-style: chr1-15771179-G-T.
Other names: short protein forms W191L.
Identifiers: ClinVar variation 963204 (VCV000963204.11), dbSNP rs753236329, ClinGen allele CA613388.
Genomic context (GRCh38, chr1:15,444,684, plus strand): 5'-ATAAGCTGCAGCAGGGCCTGCAGCCCGTGGTGGATCACGCCACGTGCTCCAGGATTGACT[G>T]GTGGGGCTTCAGGGTGAAGAAAACCATGGTGTGCGCTGGGGGCGATGGCGTCATCTCAGC-3'
Protein context (NP_009203.2, residues 181-201): VDHATCSRID[Trp191Leu]WGFRVKKTMV